The following is an entry in ClinVar:

ClinVar aggregate classification (germline): Uncertain significance (1 of 4 stars; one submission).

Allele frequency attached by ClinVar (database versions not stated): gnomAD exomes below 0.00001; TOPMed below 0.00001.
gnomAD v4.1: 5 of 1,614,234 alleles (0.00031%); highest among the groups gnomAD compares: Middle Eastern, 0.033%; no homozygotes.

Submission:

Labcorp Genetics (formerly Invitae), Labcorp
Classification: Uncertain significance. Last evaluated: 2023-11-08. Review status: criteria provided, single submitter. Criteria: Invitae Variant Classification Sherloc (09022015). Collection method: clinical testing. Allele origin: germline.
Comment: This sequence change replaces alanine, which is neutral and non-polar, with valine, which is neutral and non-polar, at codon 40 of the BRD4 protein (p.Ala40Val). This variant is not present in population databases (gnomAD no frequency). This variant has not been reported in the literature in individuals affected with BRD4-related conditions. Advanced modeling of protein sequence and biophysical properties (such as structural, functional, and spatial information, amino acid conservation, physicochemical variation, residue mobility, and thermodynamic stability) performed at Invitae indicates that this missense variant is not expected to disrupt BRD4 protein function with a negative predictive value of 80%. In summary, the available evidence is currently insufficient to determine the role of this variant in disease. Therefore, it has been classified as a Variant of Uncertain Significance.

NM_001379291.1(BRD4):c.119C>T (p.Ala40Val)

Gene: BRD4 (bromodomain containing 4; minus strand). Cytogenetic location: 19p13.12.
Variant type: single nucleotide variant.
Coding change: c.119C>T on transcript NM_001379291.1 (MANE Select); coding-DNA position 119, C replaced by T.
Protein change: p.Ala40Val; replaces alanine 40 with valine.
Molecular consequence: missense variant.
Genome position (GRCh38, 1-based): chr19:15,272,981, G>A on the plus strand (C>T on the coding strand, the complement: BRD4 is on the minus strand). VCF-style: chr19-15272981-G-A. GRCh37 (hg19) VCF-style: chr19-15383792-G-A.
Other names: c.119C>T, p.Ala40Val (NM_001330384.2, NM_001379292.1, NM_014299.3 and 1 more transcripts); short protein forms A40V.
Identifiers: ClinVar variation 2870698 (VCV002870698.3), dbSNP rs866414198, ClinGen allele CA305783205.